The following is an entry in ClinVar:

NM_001292063.2(OTOG):c.880del (p.Asp294fs)

Gene: OTOG (otogelin; plus strand). Cytogenetic location: 11p15.1.
Variant type: Deletion.
Coding change: c.880del on transcript NM_001292063.2 (MANE Select); coding-DNA position 880, one base deleted (G; older notation c.880delG).
Protein change: p.Asp294fs; shifts the reading frame from aspartic acid 294.
Molecular consequence: frameshift variant.
Genome position (GRCh38, 1-based): chr11:17,558,199, G deleted. VCF-style (leftmost placement, unchanged base first): chr11-17558198-CG-C. GRCh37 (hg19) VCF-style: chr11-17579745-CG-C.
Other names: c.916del, p.Asp306fs (NM_001277269.2); short protein forms D294fs, D306fs.
Identifiers: ClinVar variation 2627480 (VCV002627480.1), dbSNP rs2497379399, ClinGen allele CA2582341863.
Genomic context (GRCh38, chr11:17,558,198, plus strand): 5'-ACCCAACCCCATCGCTGCCCCATCATGATGTCAGCTCCCTCCTCCAGGGAAGCTGACTGA[CG>C]ACGTGGTTGAGTTTGTGCACAGCTGGCAGGAGCAGGCCCCTAACCAGCCTCCAGGGCCCA-3'

ClinVar aggregate classification (germline): Likely pathogenic (1 of 4 stars; one submission).

Conditions:
Autosomal recessive nonsyndromic hearing loss 18B. Also called: Deafness, autosomal recessive 18b. Identifiers: Orphanet 90636, MedGen C3554163, MONDO:0013985, OMIM 614945.

Submission:

Neuberg Centre For Genomic Medicine, NCGM
Classification: Likely pathogenic for Autosomal recessive nonsyndromic hearing loss 18B. Review status: criteria provided, single submitter. Criteria: ACMG Guidelines, 2015. Collection method: clinical testing. Allele origin: germline. Inheritance: Autosomal recessive inheritance. Affected: yes.
Comment: The frameshift deletion p.D294Tfs*80 in OTOG (NM_001292063.2) has not been reported previously as a pathogenic variant nor as a benign variant, to our knowledge.The p.D294Tfs*80 variant is novel (not in any individuals) in gnomAD Exomes and is novel (not in any individuals) in 1000 Genomes. This variant is predicted to cause loss of normal protein function through protein truncation. For these reasons, this variant has been classified as Likely Pathogenic.